The following is an entry in ClinVar:

NM_024675.4(PALB2):c.3432_3433delinsAT (p.Gly1145Cys)

Gene: PALB2 (partner and localizer of BRCA2; minus strand). Cytogenetic location: 16p12.2.
Variant type: Indel.
Coding change: c.3432_3433delinsAT on transcript NM_024675.4 (MANE Select); coding-DNA positions 3432 to 3433, CG replaced by AT.
Protein change: p.Gly1145Cys; replaces glycine 1145 with cysteine.
Molecular consequence: missense variant.
Genome position (GRCh38, 1-based): chr16:23,603,587-23,603,588, CG replaced by AT on the plus strand (CG replaced by AT on the coding strand, the reverse complement: PALB2 is on the minus strand). VCF-style: chr16-23603587-CG-AT. GRCh37 (hg19) VCF-style: chr16-23614908-CG-AT.
Other names: c.3432_3433delCGinsAT (NM_024675.3); short protein forms G1145C.
Identifiers: ClinVar variation 484242 (VCV000484242.21), dbSNP rs1555457873, ClinGen allele CA658658452.

ClinVar aggregate classification (germline): Uncertain significance. Review status: criteria provided, multiple submitters, no conflicts (2 of 4 stars). 3 submissions from 3 submitters: Uncertain significance (3). Last evaluated 2026-01-19.

Conditions:
Hereditary cancer-predisposing syndrome. Also called: Neoplastic Syndromes, Hereditary; Tumor predisposition; Hereditary Cancer Syndrome; Hereditary neoplastic syndrome. Identifiers: Orphanet 140162, MedGen C0027672, MeSH D009386, MONDO:0015356.
Familial cancer of breast. Also called: BREAST CANCER, FAMILIAL; Hereditary breast cancer; hereditary breast carcinoma. Identifiers: Orphanet 227535, MedGen C0346153, MONDO:0016419, OMIM 114480. Disease mechanism: loss of function.

Submissions (3):

Labcorp Genetics (formerly Invitae), Labcorp
Classification: Uncertain significance for Familial cancer of breast. Last evaluated: 2026-01-19. Review status: criteria provided, single submitter. Criteria: Invitae Variant Classification Sherloc (09022015). Collection method: clinical testing. Allele origin: germline.
Comment: This sequence change replaces glycine, which is neutral and non-polar, with cysteine, which is neutral and slightly polar, at codon 1145 of the PALB2 protein (p.Gly1145Cys). Information on the frequency of this variant in the gnomAD database is not available, as this variant may be reported differently in the database. This missense change has been observed in individual(s) with breast cancer (PMID: 29522266). ClinVar contains an entry for this variant (Variation ID: 484242). Experimental studies and prediction algorithms are not available or were not evaluated, and the functional significance of this variant is currently unknown. In summary, the available evidence is currently insufficient to determine the role of this variant in disease. Therefore, it has been classified as a Variant of Uncertain Significance.

Ambry Genetics
Classification: Uncertain significance for Hereditary cancer-predisposing syndrome. Last evaluated: 2024-12-04. Review status: criteria provided, single submitter. Criteria: Ambry Variant Classification Scheme 2023. Collection method: clinical testing. Allele origin: germline.
Comment: The c.3432_3433delCGinsAT variant (also known as p.G1145C), located in coding exon 13 of the PALB2 gene, results from an in-frame deletion of CG and insertion of AT at nucleotide positions 3432 to 3433. This results in the substitution of the glycine residue for a cysteine residue at codon 1145, an amino acid with highly dissimilar properties. This variant was reported in 1/60,466 breast cancer cases and in 1/53,461 controls (Dorling et al. N Engl J Med. 2021 02;384:428-439). This amino acid position is highly conserved in available vertebrate species. In addition, this alteration is predicted to be deleterious by in silico analysis (Choi Y et al. PLoS ONE. 2012; 7(10):e46688). Based on the available evidence, the clinical significance of this variant remains unclear.

Color Diagnostics, LLC DBA Color Health
Classification: Uncertain significance for Hereditary cancer-predisposing syndrome. Last evaluated: 2024-06-04. Review status: criteria provided, single submitter. Criteria: ACMG Guidelines, 2015. Collection method: clinical testing. Allele origin: germline.
Comment: This missense variant replaces glycine with cysteine at codon 1145 of the PALB2 protein. Computational prediction tool suggests that this variant may not impact protein structure and function. To our knowledge, functional studies have not been performed for this variant. This variant has been detected in a breast cancer case-control meta-analysis in 1/60466 cases and 1/53461 unaffected individuals (PMID: 33471991; Leiden Open Variation Database DB-ID PALB2_010747). A different variant resulting in the same protein change has been reported in a BRCA1/2-negative breast cancer case-control study in 1/5589 breast cancer cases and absent in 2189 unaffected female controls (PMID: 29522266). This variant has not been identified in the general population by the Genome Aggregation Database (gnomAD). The available evidence is insufficient to determine the role of this variant in disease conclusively. Therefore, this variant is classified as a Variant of Uncertain Significance.

Literature cited by the submitters: PubMed 29522266 (cited by Labcorp Genetics (formerly Invitae), Labcorp and Color Diagnostics, LLC DBA Color Health); PubMed 33471991 (cited by Ambry Genetics and Color Diagnostics, LLC DBA Color Health).